The following is an entry in ClinVar:

ClinVar aggregate classification (germline): Uncertain significance (1 of 4 stars; one submission).

Conditions:
Polyglandular autoimmune syndrome, type 1 (APS1). Also called: AUTOIMMUNE POLYENDOCRINE SYNDROME, TYPE I, WITH OR WITHOUT REVERSIBLE METAPHYSEAL DYSPLASIA; APS I; HYPOADRENOCORTICISM WITH HYPOPARATHYROIDISM AND SUPERFICIAL MONILIASIS; Autoimmune polyendocrine syndrome type 1; Autoimmune polyendocrinopathy syndrome, type I; PGA I. Identifiers: Orphanet 3453, MedGen C0085859, MONDO:0009411, OMIM 240300.

Allele frequency attached by ClinVar (database versions not stated): TOPMed 0.00001; ExAC 0.00002; ESP Exome Variant Server 0.00008.
gnomAD v4.1: 17 of 1,612,646 alleles (0.0011%); highest among the groups gnomAD compares: South Asian, 0.0044%; no homozygotes.

Submission:

Labcorp Genetics (formerly Invitae), Labcorp
Classification: Uncertain significance for Polyglandular autoimmune syndrome, type 1. Last evaluated: 2022-08-22. Review status: criteria provided, single submitter. Criteria: Invitae Variant Classification Sherloc (09022015). Collection method: clinical testing. Allele origin: germline.
Comment: This sequence change replaces alanine, which is neutral and non-polar, with threonine, which is neutral and polar, at codon 61 of the AIRE protein (p.Ala61Thr). This variant is present in population databases (rs372604287, gnomAD 0.007%). This variant has not been reported in the literature in individuals affected with AIRE-related conditions. Advanced modeling of protein sequence and biophysical properties (such as structural, functional, and spatial information, amino acid conservation, physicochemical variation, residue mobility, and thermodynamic stability) performed at Invitae indicates that this missense variant is expected to disrupt AIRE protein function. In summary, the available evidence is currently insufficient to determine the role of this variant in disease. Therefore, it has been classified as a Variant of Uncertain Significance.

NM_000383.4(AIRE):c.181G>A (p.Ala61Thr)

Gene: AIRE (autoimmune regulator; plus strand). Cytogenetic location: 21q22.3.
Variant type: single nucleotide variant.
Coding change: c.181G>A on transcript NM_000383.4 (MANE Select); coding-DNA position 181, G replaced by A.
Protein change: p.Ala61Thr; replaces alanine 61 with threonine.
Molecular consequence: missense variant.
Genome position (GRCh38, 1-based): chr21:44,286,605, G>A. VCF-style: chr21-44286605-G-A. GRCh37 (hg19) VCF-style: chr21-45706488-G-A.
Other names: short protein forms A61T.
Identifiers: ClinVar variation 2076842 (VCV002076842.1), dbSNP rs372604287, ClinGen allele CA10051497.